The following is an entry in ClinVar:

NM_001378120.1(MBD5):c.1633T>C (p.Ser545Pro)

Gene: MBD5 (methyl-CpG binding domain protein 5; plus strand). Cytogenetic location: 2q23.1.
Variant type: single nucleotide variant.
Coding change: c.1633T>C on transcript NM_001378120.1 (MANE Select); coding-DNA position 1633, T replaced by C.
Protein change: p.Ser545Pro; replaces serine 545 with proline.
Molecular consequence: missense variant.
Genome position (GRCh38, 1-based): chr2:148,469,576, T>C. VCF-style: chr2-148469576-T-C. GRCh37 (hg19) VCF-style: chr2-149227145-T-C.
Other names: c.1633T>C, p.Ser545Pro (NM_018328.5); short protein forms S545P.
Identifiers: ClinVar variation 435823 (VCV000435823.15), dbSNP rs775791197, ClinGen allele CA1900042.

ClinVar aggregate classification (germline): Uncertain significance. Review status: criteria provided, multiple submitters, no conflicts (2 of 4 stars). 3 submissions from 3 submitters: Uncertain significance (3). Last evaluated 2025-11-26.

Conditions:
Intellectual developmental disorder, autosomal dominant 1. Also called: MBD5 Haploinsufficiency; Intellectual disability, autosomal dominant 1. Identifiers: Orphanet 228402, MedGen C1969562, MONDO:0007974, OMIM 156200.

Allele frequency attached by ClinVar (database versions not stated): gnomAD exomes 0.00001 and 0.00008; gnomAD 0.00003 and 0.00002; ExAC 0.00001; TOPMed 0.00001.
gnomAD v4.1: 112 of 1,613,776 alleles (0.0069%); highest among the groups gnomAD compares: Non-Finnish European, 0.0095%; no homozygotes.

Submissions (3):

Women's Health and Genetics/Laboratory Corporation of America, LabCorp
Classification: Uncertain significance. Last evaluated: 2025-11-26. Review status: criteria provided, single submitter. Criteria: LabCorp Variant Classification Summary - May 2015. Collection method: clinical testing. Allele origin: germline.
Comment: Variant summary: MBD5 c.1633T>C (p.Ser545Pro) results in a non-conservative amino acid change in the encoded protein sequence. Algorithms developed to predict the effect of missense changes on protein structure and function are either unavailable or do not agree on the potential impact of this missense change. The variant allele was found at a frequency of 8e-06 in 249504 control chromosomes. The available data on variant occurrences in the general population are insufficient to allow any conclusion about variant significance. To our knowledge, no occurrence of c.1633T>C in individuals affected with MBD5-related conditions and no experimental evidence demonstrating its impact on protein function have been reported. ClinVar contains an entry for this variant (Variation ID: 435823). Based on the evidence outlined above, the variant was classified as uncertain significance.

Labcorp Genetics (formerly Invitae), Labcorp
Classification: Uncertain significance for Intellectual developmental disorder, autosomal dominant 1. Last evaluated: 2024-09-05. Review status: criteria provided, single submitter. Criteria: Invitae Variant Classification Sherloc (09022015). Collection method: clinical testing. Allele origin: germline.
Comment: This sequence change replaces serine, which is neutral and polar, with proline, which is neutral and non-polar, at codon 545 of the MBD5 protein (p.Ser545Pro). This variant is present in population databases (rs775791197, gnomAD 0.002%). This variant has not been reported in the literature in individuals affected with MBD5-related conditions. ClinVar contains an entry for this variant (Variation ID: 435823). Invitae Evidence Modeling of protein sequence and biophysical properties (such as structural, functional, and spatial information, amino acid conservation, physicochemical variation, residue mobility, and thermodynamic stability) indicates that this missense variant is not expected to disrupt MBD5 protein function with a negative predictive value of 80%. In summary, the available evidence is currently insufficient to determine the role of this variant in disease. Therefore, it has been classified as a Variant of Uncertain Significance.

Genetic Services Laboratory, University of Chicago
Classification: Uncertain significance. Last evaluated: 2016-10-11. Review status: criteria provided, single submitter. Criteria: ACMG Guidelines, 2015. Collection method: clinical testing. Allele origin: germline. Affected: no.